The following is an entry in ClinVar:

NM_000136.3(FANCC):c.1618delinsTTC (p.Ser540fs)

Genes: AOPEP (aminopeptidase O (putative); plus strand), FANCC (FA complementation group C; minus strand). Cytogenetic location: 9q22.32.
Variant type: Indel.
Coding change: c.1618delinsTTC on transcript NM_000136.3 (MANE Select); coding-DNA position 1618, A replaced by TTC.
Protein change: p.Ser540fs; shifts the reading frame from serine 540.
Molecular consequence: frameshift variant.
Genome position (GRCh38, 1-based): chr9:95,101,766, T replaced by GAA on the plus strand (A replaced by TTC on the coding strand, the reverse complement: FANCC is on the minus strand). VCF-style: chr9-95101766-T-GAA. GRCh37 (hg19) VCF-style: chr9-97864048-T-GAA.
Other names: c.1618delinsTTC, p.Ser540fs (NM_001243743.2); short protein forms S540fs.
Identifiers: ClinVar variation 1329832 (VCV001329832.2), dbSNP rs2134382805, ClinGen allele CA2573053199.

ClinVar aggregate classification (germline): Uncertain significance (1 of 4 stars; one submission).

Submission:

GeneDx
Classification: Uncertain significance. Last evaluated: 2021-06-25. Review status: criteria provided, single submitter. Criteria: GeneDx Variant Classification Process June 2021. Collection method: clinical testing. Allele origin: germline. Affected: yes.
Comment: Not observed at significant frequency in large population cohorts (Lek 2016); Has not been previously published as pathogenic or benign to our knowledge; This variant is associated with the following publications: (PMID: 27535533)